The following is an entry in ClinVar:

ClinVar aggregate classification (germline): Uncertain significance (1 of 4 stars; one submission).

Submission:

GeneDx
Classification: Uncertain significance. Last evaluated: 2025-05-09. Review status: criteria provided, single submitter. Criteria: GeneDx Variant Classification Process June 2021. Collection method: clinical testing. Allele origin: germline. Affected: yes.
Comment: Not observed at significant frequency in large population cohorts (gnomAD); In silico analysis supports that this missense variant has a deleterious effect on protein structure/function; Has not been previously published as pathogenic or benign to our knowledge; This variant is associated with the following publications: (PMID: 12938084)

NM_000138.5(FBN1):c.7631C>A (p.Thr2544Asn)

Gene: FBN1 (fibrillin 1; minus strand). Cytogenetic location: 15q21.1.
Variant type: single nucleotide variant.
Coding change: c.7631C>A on transcript NM_000138.5 (MANE Select); coding-DNA position 7631, C replaced by A.
Protein change: p.Thr2544Asn; replaces threonine 2544 with asparagine.
Molecular consequence: missense variant.
Genome position (GRCh38, 1-based): chr15:48,421,626, G>T on the plus strand (C>A on the coding strand, the complement: FBN1 is on the minus strand). VCF-style: chr15-48421626-G-T. GRCh37 (hg19) VCF-style: chr15-48713823-G-T.
Other names: c.7631C>A, p.Thr2544Asn (NM_001406716.1); short protein forms T2544N.
Identifiers: ClinVar variation 4528264 (VCV004528264.1).